The following is an entry in ClinVar:

NM_015047.3(EMC1):c.2749T>A (p.Ser917Thr)

Genes: EMC1 (ER membrane protein complex subunit 1; minus strand), EMC1-AS1 (EMC1 antisense RNA 1; plus strand). Cytogenetic location: 1p36.13.
Variant type: single nucleotide variant.
Coding change: c.2749T>A on transcript NM_015047.3 (MANE Select); coding-DNA position 2749, T replaced by A.
Protein change: p.Ser917Thr; replaces serine 917 with threonine.
Molecular consequence: missense variant.
Genome position (GRCh38, 1-based): chr1:19,219,622, A>T on the plus strand (T>A on the coding strand, the complement: EMC1 is on the minus strand). VCF-style: chr1-19219622-A-T. GRCh37 (hg19) VCF-style: chr1-19546116-A-T.
Other names: c.2746T>A, p.Ser916Thr (NM_001271427.2, NM_001271428.2); c.2683T>A, p.Ser895Thr (NM_001271429.2); c.2758T>A, p.Ser920Thr (NM_001375820.1); c.2755T>A, p.Ser919Thr (NM_001375821.1); c.2749T>A (NM_015047.1, NM_015047.2); short protein forms S895T, S916T, S917T, S919T, S920T.
Identifiers: ClinVar variation 1024226 (VCV001024226.12), dbSNP rs529971469, ClinGen allele CA652159.

ClinVar aggregate classification (germline): Uncertain significance. Review status: criteria provided, multiple submitters, no conflicts (2 of 4 stars). 3 submissions from 3 submitters: Uncertain significance (3). Last evaluated 2025-12-17.

Conditions:
Inborn genetic diseases. Identifiers: MedGen C0950123, MeSH D030342.

Allele frequency attached by ClinVar (database versions not stated): gnomAD exomes 0.00001 and 0.00004; ExAC 0.00006; gnomAD 0.00012 and 0.00014; TOPMed 0.00021; 1000 Genomes Project 0.00060; 1000 Genomes Project 30x 0.00078.
gnomAD v4.1: 34 of 1,613,276 alleles (0.0021%); highest among the groups gnomAD compares: African/African-American, 0.04%; no homozygotes.

Submissions (3):

Labcorp Genetics (formerly Invitae), Labcorp
Classification: Uncertain significance. Last evaluated: 2025-12-17. Review status: criteria provided, single submitter. Criteria: Invitae Variant Classification Sherloc (09022015). Collection method: clinical testing. Allele origin: germline.
Comment: This sequence change replaces serine, which is neutral and polar, with threonine, which is neutral and polar, at codon 917 of the EMC1 protein (p.Ser917Thr). This variant is present in population databases (rs529971469, gnomAD 0.05%). This variant has not been reported in the literature in individuals affected with EMC1-related conditions. ClinVar contains an entry for this variant (Variation ID: 1024226). Invitae Evidence Modeling of protein sequence and biophysical properties (such as structural, functional, and spatial information, amino acid conservation, physicochemical variation, residue mobility, and thermodynamic stability) has been performed for this missense variant. However, the output from this modeling did not meet the statistical confidence thresholds required to predict the impact of this variant on EMC1 protein function. In summary, the available evidence is currently insufficient to determine the role of this variant in disease. Therefore, it has been classified as a Variant of Uncertain Significance.

GeneDx
Classification: Uncertain significance. Last evaluated: 2025-06-09. Review status: criteria provided, single submitter. Criteria: GeneDx Variant Classification Process June 2021. Collection method: clinical testing. Allele origin: germline. Affected: yes.
Comment: Has not been previously published as pathogenic or benign to our knowledge; In silico analysis suggests that this missense variant does not alter protein structure/function

Ambry Genetics
Classification: Uncertain significance for Inborn genetic diseases. Last evaluated: 2024-06-22. Review status: criteria provided, single submitter. Criteria: Ambry Variant Classification Scheme 2023. Collection method: clinical testing. Allele origin: germline.